The following is an entry in ClinVar:

ClinVar aggregate classification (germline): Benign (1 of 4 stars; one submission).

Conditions:
Retinoblastoma (RB1). Also called: RETINOBLASTOMA, SOMATIC. Identifiers: Orphanet 790, MedGen C0035335, MeSH D012175, MONDO:0008380, OMIM 180200, HP:0009919. Disease mechanism: loss of function. Inheritance: Both sporadic and heritable forms are tested..

gnomAD v4.1: 1 of 1,613,774 alleles (0.000062%); highest among the groups gnomAD compares: Non-Finnish European, 0.000085%; no homozygotes.

Submission:

Myriad Genetics, Inc.
Classification: Benign for Retinoblastoma. Last evaluated: 2026-06-24. Review status: criteria provided, single submitter. Criteria: Myriad Autosomal Dominant, Autosomal Recessive and X-Linked Classification Criteria (2023). Collection method: clinical testing. Allele origin: unknown.
Comment: This variant is considered benign. This variant is a silent/synonymous amino acid change and it is not expected to impact splicing.

NM_000321.3(RB1):c.762G>A (p.Arg254=)

Gene: RB1 (RB transcriptional corepressor 1; plus strand). Cytogenetic location: 13q14.2.
Variant type: single nucleotide variant.
Coding change: c.762G>A on transcript NM_000321.3 (MANE Select); coding-DNA position 762, G replaced by A.
Protein change: p.Arg254=; no amino-acid change (arginine 254 retained).
Molecular consequence: synonymous variant.
Genome position (GRCh38, 1-based): chr13:48,362,858, G>A. VCF-style: chr13-48362858-G-A. GRCh37 (hg19) VCF-style: chr13-48936994-G-A.
Other names: c.762G>A, p.Arg254= (NM_001407165.1, NM_001407166.1).
Identifiers: ClinVar variation 4875884 (VCV004875884.1).
Genomic context (GRCh38, chr13:48,362,858, plus strand): 5'-ATTTACCACTTTTACAGAAACAGCTGTTATACCCATTAATGGTTCACCTCGAACACCCAG[G>A]CGAGGTCAGAACAGGAGTGCACGGATAGCAAAACAACTAGAAAATGATACAAGAATTATT-3'
Protein context (NP_000312.2, residues 244-264): IPINGSPRTP[Arg254=]RGQNRSARIA